The following is an entry in ClinVar:

ClinVar aggregate classification (germline): Uncertain significance (1 of 4 stars; one submission).

Submission:

Labcorp Genetics (formerly Invitae), Labcorp
Classification: Uncertain significance. Last evaluated: 2024-02-17. Review status: criteria provided, single submitter. Criteria: Invitae Variant Classification Sherloc (09022015). Collection method: clinical testing. Allele origin: germline.
Comment: This sequence change replaces serine, which is neutral and polar, with cysteine, which is neutral and slightly polar, at codon 760 of the ABCB6 protein (p.Ser760Cys). This variant is not present in population databases (gnomAD no frequency). This variant has not been reported in the literature in individuals affected with ABCB6-related conditions. An algorithm developed to predict the effect of missense changes on protein structure and function (PolyPhen-2) suggests that this variant is likely to be tolerated. In summary, the available evidence is currently insufficient to determine the role of this variant in disease. Therefore, it has been classified as a Variant of Uncertain Significance.

NM_005689.4(ABCB6):c.2279C>G (p.Ser760Cys)

Gene: ABCB6 (ATP binding cassette subfamily B member 6 (LAN blood group); minus strand). Cytogenetic location: 2q35.
Variant type: single nucleotide variant.
Coding change: c.2279C>G on transcript NM_005689.4 (MANE Select); coding-DNA position 2279, C replaced by G.
Protein change: p.Ser760Cys; replaces serine 760 with cysteine.
Molecular consequence: missense variant.
Genome position (GRCh38, 1-based): chr2:219,210,453, G>C on the plus strand (C>G on the coding strand, the complement: ABCB6 is on the minus strand). VCF-style: chr2-219210453-G-C. GRCh37 (hg19) VCF-style: chr2-220075175-G-C.
Other names: c.2141C>G, p.Ser714Cys (NM_001349828.2); short protein forms S760C, S714C.
Identifiers: ClinVar variation 3631109 (VCV003631109.2).